The following is an entry in ClinVar:

NM_001378183.1(PIEZO2):c.8522A>T (p.Asp2841Val)

Gene: PIEZO2 (piezo type mechanosensitive ion channel component 2; minus strand). Cytogenetic location: 18p11.22.
Variant type: single nucleotide variant.
Coding change: c.8522A>T on transcript NM_001378183.1 (MANE Select); coding-DNA position 8522, A replaced by T.
Protein change: p.Asp2841Val; replaces aspartic acid 2841 with valine.
Molecular consequence: missense variant.
Genome position (GRCh38, 1-based): chr18:10,671,603, T>A on the plus strand (A>T on the coding strand, the complement: PIEZO2 is on the minus strand). VCF-style: chr18-10671603-T-A. GRCh37 (hg19) VCF-style: chr18-10671600-T-A.
Other names: c.8258A>T, p.Asp2753Val (NM_001410871.1); c.8183A>T, p.Asp2728Val (NM_022068.4); c.8183A>T (NM_022068.2); short protein forms D2753V, D2841V, D2728V.
Identifiers: ClinVar variation 3644059 (VCV003644059.3).

ClinVar aggregate classification (germline): Uncertain significance. Review status: criteria provided, multiple submitters, no conflicts (2 of 4 stars). 2 submissions from 2 submitters: Uncertain significance (2). Last evaluated 2024-12-14.

Conditions:
Inborn genetic diseases. Identifiers: MedGen C0950123, MeSH D030342.

Submissions (2):

Ambry Genetics
Classification: Uncertain significance for Inborn genetic diseases. Last evaluated: 2024-12-14. Review status: criteria provided, single submitter. Criteria: Ambry Variant Classification Scheme 2023. Collection method: clinical testing. Allele origin: germline.

Labcorp Genetics (formerly Invitae), Labcorp
Classification: Uncertain significance. Last evaluated: 2024-06-03. Review status: criteria provided, single submitter. Criteria: Invitae Variant Classification Sherloc (09022015). Collection method: clinical testing. Allele origin: germline.
Comment: This sequence change replaces aspartic acid, which is acidic and polar, with valine, which is neutral and non-polar, at codon 2728 of the PIEZO2 protein (p.Asp2728Val). This variant is not present in population databases (gnomAD no frequency). This variant has not been reported in the literature in individuals affected with PIEZO2-related conditions. Advanced modeling of protein sequence and biophysical properties (such as structural, functional, and spatial information, amino acid conservation, physicochemical variation, residue mobility, and thermodynamic stability) performed at Invitae indicates that this missense variant is not expected to disrupt PIEZO2 protein function with a negative predictive value of 80%. In summary, the available evidence is currently insufficient to determine the role of this variant in disease. Therefore, it has been classified as a Variant of Uncertain Significance.